The following is an entry in ClinVar:

ClinVar aggregate classification (germline): Uncertain significance. Review status: criteria provided, multiple submitters, no conflicts (2 of 4 stars). 6 submissions from 6 submitters: Uncertain significance (6). Last evaluated 2025-10-13.

Conditions:
RAD50-related disorder. Also called: RAD50-related condition.
Hereditary cancer-predisposing syndrome. Also called: Tumor predisposition; Neoplastic Syndromes, Hereditary; Hereditary neoplastic syndrome; Hereditary Cancer Syndrome. Identifiers: Orphanet 140162, MedGen C0027672, MeSH D009386, MONDO:0015356.
Nijmegen breakage syndrome-like disorder (NBSLD). Also called: MICROCEPHALY AND SPONTANEOUS CHROMOSOME INSTABILITY WITHOUT IMMUNODEFICIENCY; NBS-LIKE DISORDER; RAD50 DEFICIENCY. Identifiers: Orphanet 240760, MedGen C2751318, MONDO:0013118, OMIM 613078.

Allele frequency attached by ClinVar (database versions not stated): ExAC 0.00002; gnomAD exomes 0.00004 and 0.00015; gnomAD 0.00007; TOPMed 0.00008; ESP Exome Variant Server 0.00015.
gnomAD v4.1: 220 of 1,613,986 alleles (0.014%); highest among the groups gnomAD compares: Non-Finnish European, 0.018%; no homozygotes.

Submissions (6):

PreventionGenetics, part of Exact Sciences
Classification: Uncertain significance for RAD50-related condition. Last evaluated: 2025-10-13. Review status: criteria provided, single submitter. Criteria: ACMG Guidelines, 2015. Collection method: clinical testing. Allele origin: germline.
Comment: The RAD50 c.3836G>A variant is predicted to result in the amino acid substitution p.Arg1279His. This variant was reported in an individual with breast cancer (Kim et al. 2017. PubMed ID: 27783279). This variant is reported in 0.010% of alleles in individuals of East Asian descent in gnomAD, and is classified as uncertain in ClinVar (Variation ID: 140931). At this time, the clinical significance of this variant is uncertain due to the absence of conclusive functional and genetic evidence.

Labcorp Genetics (formerly Invitae), Labcorp
Classification: Uncertain significance for Hereditary cancer-predisposing syndrome. Last evaluated: 2025-10-06. Review status: criteria provided, single submitter. Criteria: Invitae Variant Classification Sherloc (09022015). Collection method: clinical testing. Allele origin: germline.
Comment: This sequence change replaces arginine, which is basic and polar, with histidine, which is basic and polar, at codon 1279 of the RAD50 protein (p.Arg1279His). This variant is present in population databases (rs375710541, gnomAD 0.01%). This missense change has been observed in individual(s) with a personal and/or family history of breast and/or ovarian cancer (PMID: 24894818, 27783279, 36035419). ClinVar contains an entry for this variant (Variation ID: 140931). Invitae Evidence Modeling of protein sequence and biophysical properties (such as structural, functional, and spatial information, amino acid conservation, physicochemical variation, residue mobility, and thermodynamic stability) indicates that this missense variant is not expected to disrupt RAD50 protein function with a negative predictive value of 80%. In summary, the available evidence is currently insufficient to determine the role of this variant in disease. Therefore, it has been classified as a Variant of Uncertain Significance.

Women's Health and Genetics/Laboratory Corporation of America, LabCorp
Classification: Uncertain significance. Last evaluated: 2025-04-07. Review status: criteria provided, single submitter. Criteria: LabCorp Variant Classification Summary - May 2015. Collection method: clinical testing. Allele origin: germline.
Comment: Variant summary: RAD50 c.3836G>A (p.Arg1279His) results in a non-conservative amino acid change in the encoded protein sequence. Three of five in-silico tools predict a damaging effect of the variant on protein function. The variant allele was found at a frequency of 4e-05 in 251288 control chromosomes. This frequency is not significantly higher than estimated for a pathogenic variant in RAD50 causing Nijmegen Breakage Syndrome-Like Disorder (4e-05 vs 0.0024), allowing no conclusion about variant significance. To our knowledge, no occurrence of c.3836G>A in individuals affected with Nijmegen Breakage Syndrome-Like Disorder and no experimental evidence demonstrating its impact on protein function have been reported. The following publications have been ascertained in the context of this evaluation (PMID: 36035419, 30099497, 24894818, 26787654, 30840646, 28102005, 34570441, 37552607, 35012940, 27783279). ClinVar contains an entry for this variant (Variation ID: 140931). Based on the evidence outlined above, the variant was classified as uncertain significance.

Quest Diagnostics Nichols Institute San Juan Capistrano
Classification: Uncertain significance. Last evaluated: 2025-02-05. Review status: criteria provided, single submitter. Criteria: Quest Diagnostics criteria. Collection method: clinical testing. Allele origin: unknown.
Comment: The RAD50 c.3836G>A (p.Arg1279His) variant has been reported in the published literature in individuals with breast cancer (PMID: 27783279 (2016), 33471991 (2021), see also LOVD). This variant has also been identified in reportedly healthy individuals (PMID: 33471991 (2021), see also LOVD). The frequency of this variant in the general population (Genome Aggregation Database) is uninformative in the assessment of its pathogenicity. Analysis of this variant using bioinformatics tools for the prediction of the effect of amino acid changes on protein structure and function yielded conflicting predictions that this variant is benign or damaging. Based on the available information, we are unable to determine the clinical significance of this variant.

Ambry Genetics
Classification: Uncertain significance for Hereditary cancer-predisposing syndrome. Last evaluated: 2023-09-29. Review status: criteria provided, single submitter. Criteria: Ambry Variant Classification Scheme 2023. Collection method: clinical testing. Allele origin: germline.
Comment: The p.R1279H variant (also known as c.3836G>A), located in coding exon 25 of the RAD50 gene, results from a G to A substitution at nucleotide position 3836. The arginine at codon 1279 is replaced by histidine, an amino acid with highly similar properties. This alteration was identified in multiple individuals diagnosed with breast and/or ovarian cancer (Damiola F et al. Breast Cancer Res, 2014 Jun;16:R58; Kim H et al. Breast Cancer Res Treat, 2017 01;161:95-102; Nunziato M et al. Front Med (Lausanne), 2022 Aug;9:894358). This amino acid position is highly conserved in available vertebrate species. In addition, the in silico prediction for this alteration is inconclusive. Since supporting evidence is limited at this time, the clinical significance of this alteration remains unclear.

Fulgent Genetics
Classification: Uncertain significance for Nijmegen breakage syndrome-like disorder. Last evaluated: 2018-10-31. Review status: criteria provided, single submitter. Criteria: ACMG Guidelines, 2015. Collection method: clinical testing. Allele origin: unknown.

Literature cited by the submitters: PubMed 24894818 (cited by 3 submitters); PubMed 27783279 (cited by 3 submitters); PubMed 36035419 (cited by Labcorp Genetics (formerly Invitae), Labcorp and Ambry Genetics); PubMed 33471991 (cited by Quest Diagnostics Nichols Institute San Juan Capistrano); PubMed 34570441 (cited by Quest Diagnostics Nichols Institute San Juan Capistrano); PubMed 35012940 (cited by Quest Diagnostics Nichols Institute San Juan Capistrano).

NM_005732.4(RAD50):c.3836G>A (p.Arg1279His)

Genes: RAD50 (RAD50 double strand break repair protein; plus strand), TH2LCRR (T helper type 2 locus control region associated RNA; minus strand). Cytogenetic location: 5q31.1.
Variant type: single nucleotide variant.
Coding change: c.3836G>A on transcript NM_005732.4 (MANE Select); coding-DNA position 3836, G replaced by A.
Protein change: p.Arg1279His; replaces arginine 1279 with histidine.
Molecular consequence: missense variant. On other transcripts: non-coding transcript variant (1).
Genome position (GRCh38, 1-based): chr5:132,642,261, G>A. VCF-style: chr5-132642261-G-A. GRCh37 (hg19) VCF-style: chr5-131977953-G-A.
Other names: short protein forms R1279H.
Identifiers: ClinVar variation 140931 (VCV000140931.20), dbSNP rs375710541, ClinGen allele CA163955.